The following is an entry in ClinVar:

ClinVar aggregate classification (germline): Uncertain significance (1 of 4 stars; one submission).

Conditions:
Inborn genetic diseases. Identifiers: MedGen C0950123, MeSH D030342.

Submission:

Ambry Genetics
Classification: Uncertain significance for Inborn genetic diseases. Last evaluated: 2023-02-10. Review status: criteria provided, single submitter. Criteria: Ambry Variant Classification Scheme 2023. Collection method: clinical testing. Allele origin: germline.
Comment: The p.K1557R variant (also known as c.4670A>G), located in coding exon 27 of the ATR gene, results from an A to G substitution at nucleotide position 4670. The lysine at codon 1557 is replaced by arginine, an amino acid with highly similar properties. This amino acid position is conserved. In addition, this alteration is predicted to be tolerated by in silico analysis. Since supporting evidence is limited at this time, the clinical significance of this alteration remains unclear.

NM_001184.4(ATR):c.4670A>G (p.Lys1557Arg)

Gene: ATR (ATR checkpoint kinase; minus strand). Cytogenetic location: 3q23.
Variant type: single nucleotide variant.
Coding change: c.4670A>G on transcript NM_001184.4 (MANE Select); coding-DNA position 4670, A replaced by G.
Protein change: p.Lys1557Arg; replaces lysine 1557 with arginine.
Molecular consequence: missense variant.
Genome position (GRCh38, 1-based): chr3:142,512,442, T>C on the plus strand (A>G on the coding strand, the complement: ATR is on the minus strand). VCF-style: chr3-142512442-T-C. GRCh37 (hg19) VCF-style: chr3-142231284-T-C.
Other names: c.4478A>G, p.Lys1493Arg (NM_001354579.2); short protein forms K1493R, K1557R.
Identifiers: ClinVar variation 2453587 (VCV002453587.2), dbSNP rs2108372501, ClinGen allele CA354795823.